The following is an entry in ClinVar:

NM_001130009.3(GEN1):c.1981C>T (p.Leu661Phe)

Gene: GEN1 (GEN1 structure-specific endonuclease; plus strand). Cytogenetic location: 2p24.2.
Variant type: single nucleotide variant.
Coding change: c.1981C>T on transcript NM_001130009.3 (MANE Select); coding-DNA position 1981, C replaced by T.
Protein change: p.Leu661Phe; replaces leucine 661 with phenylalanine.
Molecular consequence: missense variant.
Genome position (GRCh38, 1-based): chr2:17,781,193, C>T. VCF-style: chr2-17781193-C-T. GRCh37 (hg19) VCF-style: chr2-17962460-C-T.
Other names: c.1981C>T, p.Leu661Phe (NM_182625.5); short protein forms L661F.
Identifiers: ClinVar variation 2173181 (VCV002173181.5), dbSNP rs1322007623, ClinGen allele CA345927053.

ClinVar aggregate classification (germline): Uncertain significance. Review status: criteria provided, single submitter (1 of 4 stars). 2 submissions from 2 submitters: Uncertain significance (1). 1 of the submissions does not count toward it. Last evaluated 2022-07-02.

Conditions:
Olaparib response. Also called: Lynparza response. Identifiers: MedGen CN224080.

Allele frequency attached by ClinVar (database versions not stated): gnomAD 0.00001; gnomAD exomes 0.00001; TOPMed 0.00003.
gnomAD v4.1: 20 of 1,613,778 alleles (0.0012%); highest among the groups gnomAD compares: East Asian, 0.036%; no homozygotes.

Submissions (2):

Labcorp Genetics (formerly Invitae), Labcorp
Classification: Uncertain significance. Last evaluated: 2022-07-02. Review status: criteria provided, single submitter. Criteria: Invitae Variant Classification Sherloc (09022015). Collection method: clinical testing. Allele origin: germline.
Comment: This sequence change replaces leucine, which is neutral and non-polar, with phenylalanine, which is neutral and non-polar, at codon 661 of the GEN1 protein (p.Leu661Phe). In summary, the available evidence is currently insufficient to determine the role of this variant in disease. Therefore, it has been classified as a Variant of Uncertain Significance. Algorithms developed to predict the effect of missense changes on protein structure and function are either unavailable or do not agree on the potential impact of this missense change (SIFT: "Deleterious"; PolyPhen-2: "Benign"; Align-GVGD: "Class C0"). This variant has not been reported in the literature in individuals affected with GEN1-related conditions. This variant is present in population databases (no rsID available, gnomAD 0.01%).

Department of Thoracic Surgery and State Key Laboratory of Genetic Engineering, Fudan University Shanghai Cancer Center
Classification: drug response for Olaparib response. Last evaluated: 2023-11-01. Review status: no assertion criteria provided. Collection method: research. Allele origin: germline. Affected: yes. Not counted in ClinVar's aggregate classification.
Comment: Germline variants of Holliday junction resolvase genes in multiple primary malignancies involving lung cancer lead to Olaparib sensitization.